The following is an entry in ClinVar:

NM_213655.5(WNK1):c.2591C>G (p.Thr864Ser)

Gene: WNK1 (WNK lysine deficient protein kinase 1; plus strand). Cytogenetic location: 12p13.33.
Variant type: single nucleotide variant.
Coding change: c.2591C>G on transcript NM_213655.5 (MANE Plus Clinical); coding-DNA position 2591, C replaced by G.
Protein change: p.Thr864Ser; replaces threonine 864 with serine.
Molecular consequence: missense variant. On other transcripts: intron variant (2).
Genome position (GRCh38, 1-based): chr12:868,062, C>G. VCF-style: chr12-868062-C-G. GRCh37 (hg19) VCF-style: chr12-977228-C-G.
Other names: c.2336C>G, p.Thr779Ser (NM_001184985.2); c.2140-3203C>G (NM_018979.4, NM_014823.3); short protein forms T864S, T779S.
Identifiers: ClinVar variation 2934199 (VCV002934199.3), dbSNP rs746162130, ClinGen allele CA6382205.

ClinVar aggregate classification (germline): Uncertain significance (1 of 4 stars; one submission).

Conditions:
Neuropathy, hereditary sensory and autonomic, type 2A (HSAN2A). Also called: ACROOSTEOLYSIS, GIACCAI TYPE; ACROOSTEOLYSIS, NEUROGENIC; MORVAN DISEASE; NEUROPATHY, CONGENITAL SENSORY; NEUROPATHY, HEREDITARY SENSORY RADICULAR, AUTOSOMAL RECESSIVE; NEUROPATHY, HEREDITARY SENSORY, TYPE IIA. Identifiers: Orphanet 970, MedGen C2752089, MONDO:0024309, OMIM 201300.
Pseudohypoaldosteronism type 2C (PHA2C). Also called: Pseudohypoaldosteronism Type IIC. Identifiers: Orphanet 757, Orphanet 88940, MedGen C1840391, MONDO:0013778, OMIM 614492.

Allele frequency attached by ClinVar (database versions not stated): gnomAD exomes below 0.00001; ExAC 0.00001.

Submission:

Labcorp Genetics (formerly Invitae), Labcorp
Classification: Uncertain significance for Neuropathy, hereditary sensory and autonomic, type 2A; Pseudohypoaldosteronism type 2C. Last evaluated: 2026-01-03. Review status: criteria provided, single submitter. Criteria: Invitae Variant Classification Sherloc (09022015). Collection method: clinical testing. Allele origin: germline.
Comment: This sequence change replaces threonine, which is neutral and polar, with serine, which is neutral and polar, at codon 864 of the WNK1 protein (p.Thr864Ser). This variant is present in population databases (rs746162130, gnomAD 0.003%). This variant has not been reported in the literature in individuals affected with WNK1-related conditions. ClinVar contains an entry for this variant (Variation ID: 2934199). Invitae Evidence Modeling of protein sequence and biophysical properties (such as structural, functional, and spatial information, amino acid conservation, physicochemical variation, residue mobility, and thermodynamic stability) indicates that this missense variant is not expected to disrupt WNK1 protein function with a negative predictive value of 95%. In summary, the available evidence is currently insufficient to determine the role of this variant in disease. Therefore, it has been classified as a Variant of Uncertain Significance.